The following is an entry in ClinVar:

ClinVar aggregate classification (germline): Uncertain significance (1 of 4 stars; one submission).

Allele frequency attached by ClinVar (database versions not stated): gnomAD exomes 0.00002; gnomAD 0.00003; ESP Exome Variant Server 0.00008.

Submission:

Labcorp Genetics (formerly Invitae), Labcorp
Classification: Uncertain significance. Last evaluated: 2022-10-17. Review status: criteria provided, single submitter. Criteria: Invitae Variant Classification Sherloc (09022015). Collection method: clinical testing. Allele origin: germline.
Comment: In summary, the available evidence is currently insufficient to determine the role of this variant in disease. Therefore, it has been classified as a Variant of Uncertain Significance. Advanced modeling of protein sequence and biophysical properties (such as structural, functional, and spatial information, amino acid conservation, physicochemical variation, residue mobility, and thermodynamic stability) performed at Invitae indicates that this missense variant is not expected to disrupt KCNV2 protein function. ClinVar contains an entry for this variant (Variation ID: 1026169). This variant has not been reported in the literature in individuals affected with KCNV2-related conditions. The frequency data for this variant in the population databases is considered unreliable, as metrics indicate poor data quality at this position in the gnomAD database. This sequence change replaces alanine, which is neutral and non-polar, with valine, which is neutral and non-polar, at codon 276 of the KCNV2 protein (p.Ala276Val).

NM_133497.4(KCNV2):c.827C>T (p.Ala276Val)

Gene: KCNV2 (potassium voltage-gated channel modifier subfamily V member 2; plus strand). Cytogenetic location: 9p24.2.
Variant type: single nucleotide variant.
Coding change: c.827C>T on transcript NM_133497.4 (MANE Select); coding-DNA position 827, C replaced by T.
Protein change: p.Ala276Val; replaces alanine 276 with valine.
Molecular consequence: missense variant.
Genome position (GRCh38, 1-based): chr9:2,718,566, C>T. VCF-style: chr9-2718566-C-T. GRCh37 (hg19) VCF-style: chr9-2718566-C-T.
Other names: short protein forms A276V.
Identifiers: ClinVar variation 1026169 (VCV001026169.8), dbSNP rs199923365, ClinGen allele CA4965639.